The following is an entry in ClinVar:

NM_002335.4(LRP5):c.4133A>G (p.Asp1378Gly)

Gene: LRP5 (LDL receptor related protein 5; plus strand). Cytogenetic location: 11q13.2.
Variant type: single nucleotide variant.
Coding change: c.4133A>G on transcript NM_002335.4 (MANE Select); coding-DNA position 4133, A replaced by G.
Protein change: p.Asp1378Gly; replaces aspartic acid 1378 with glycine.
Molecular consequence: missense variant.
Genome position (GRCh38, 1-based): chr11:68,438,467, A>G. VCF-style: chr11-68438467-A-G. GRCh37 (hg19) VCF-style: chr11-68205935-A-G.
Other names: c.2390A>G, p.Asp797Gly (NM_001291902.2); short protein forms D1378G, D797G.
Identifiers: ClinVar variation 1013865 (VCV001013865.9), dbSNP rs1333618870, ClinGen allele CA381614855.

ClinVar aggregate classification (germline): Uncertain significance. Review status: criteria provided, multiple submitters, no conflicts (2 of 4 stars). 2 submissions from 2 submitters: Uncertain significance (2). Last evaluated 2024-11-03.

Allele frequency attached by ClinVar (database versions not stated): gnomAD exomes 0.00001 and 0.00002.
gnomAD v4.1: 4 of 1,614,166 alleles (0.00025%); highest among the groups gnomAD compares: Admixed American, 0.0067%; no homozygotes.

Submissions (2):

Labcorp Genetics (formerly Invitae), Labcorp
Classification: Uncertain significance. Last evaluated: 2024-11-03. Review status: criteria provided, single submitter. Criteria: Invitae Variant Classification Sherloc (09022015). Collection method: clinical testing. Allele origin: germline.
Comment: This sequence change replaces aspartic acid, which is acidic and polar, with glycine, which is neutral and non-polar, at codon 1378 of the LRP5 protein (p.Asp1378Gly). This variant is present in population databases (no rsID available, gnomAD 0.009%). This variant has not been reported in the literature in individuals affected with LRP5-related conditions. ClinVar contains an entry for this variant (Variation ID: 1013865). Invitae Evidence Modeling of protein sequence and biophysical properties (such as structural, functional, and spatial information, amino acid conservation, physicochemical variation, residue mobility, and thermodynamic stability) indicates that this missense variant is not expected to disrupt LRP5 protein function with a negative predictive value of 95%. In summary, the available evidence is currently insufficient to determine the role of this variant in disease. Therefore, it has been classified as a Variant of Uncertain Significance.

Blueprint Genetics
Classification: Uncertain significance. Last evaluated: 2019-10-29. Review status: criteria provided, single submitter. Criteria: ACMG Guidelines, 2015. Collection method: clinical testing. Allele origin: germline.